The following is an entry in ClinVar:

NM_004484.4(GPC3):c.811G>T (p.Val271Phe)

Gene: GPC3 (glypican 3; minus strand). Cytogenetic location: Xq26.2.
Variant type: single nucleotide variant.
Coding change: c.811G>T on transcript NM_004484.4 (MANE Select); coding-DNA position 811, G replaced by T.
Protein change: p.Val271Phe; replaces valine 271 with phenylalanine.
Molecular consequence: missense variant.
Genome position (GRCh38, 1-based): chrX:133,753,703, C>A on the plus strand (G>T on the coding strand, the complement: GPC3 is on the minus strand). VCF-style: chrX-133753703-C-A. GRCh37 (hg19) VCF-style: chrX-132887730-C-A.
Other names: c.811G>T, p.Val271Phe (NM_001164617.2); c.763G>T, p.Val255Phe (NM_001164618.2); c.649G>T, p.Val217Phe (NM_001164619.2); short protein forms V217F, V255F, V271F.
Identifiers: ClinVar variation 2140343 (VCV002140343.4), dbSNP rs2071693313, ClinGen allele CA414705727.

ClinVar aggregate classification (germline): Uncertain significance (1 of 4 stars; one submission).

Conditions:
Wilms tumor 1 (WT1). Also called: Wilms tumor, somatic. Identifiers: Orphanet 654, MedGen CN033288, MONDO:0008679, OMIM 194070.

Allele frequency attached by ClinVar (database versions not stated): gnomAD exomes below 0.00001.
gnomAD v4.1: 1 of 1,211,079 alleles (0.000083%); highest among the groups gnomAD compares: Non-Finnish European, 0.00011%; no homozygotes.

Submission:

Labcorp Genetics (formerly Invitae), Labcorp
Classification: Uncertain significance for Wilms tumor 1. Last evaluated: 2023-11-11. Review status: criteria provided, single submitter. Criteria: Invitae Variant Classification Sherloc (09022015). Collection method: clinical testing. Allele origin: germline.
Comment: This sequence change replaces valine, which is neutral and non-polar, with phenylalanine, which is neutral and non-polar, at codon 271 of the GPC3 protein (p.Val271Phe). This variant is not present in population databases (gnomAD no frequency). This variant has not been reported in the literature in individuals affected with GPC3-related conditions. ClinVar contains an entry for this variant (Variation ID: 2140343). Advanced modeling of protein sequence and biophysical properties (such as structural, functional, and spatial information, amino acid conservation, physicochemical variation, residue mobility, and thermodynamic stability) performed at Invitae indicates that this missense variant is not expected to disrupt GPC3 protein function with a negative predictive value of 80%. In summary, the available evidence is currently insufficient to determine the role of this variant in disease. Therefore, it has been classified as a Variant of Uncertain Significance.